The following is an entry in ClinVar:

NM_000138.5(FBN1):c.1485dup (p.Lys496fs)

Gene: FBN1 (fibrillin 1; minus strand). Cytogenetic location: 15q21.1.
Variant type: Duplication.
Coding change: c.1485dup on transcript NM_000138.5 (MANE Select); coding-DNA position 1485, one base duplicated (G; older notation c.1485dupG).
Protein change: p.Lys496fs; shifts the reading frame from lysine 496.
Molecular consequence: frameshift variant.
Genome position (GRCh38, 1-based): chr15:48,513,652, C duplicated on the plus strand (G on the coding strand, the reverse complement: FBN1 is on the minus strand). VCF-style (leftmost placement, unchanged base first): chr15-48513651-T-TC. GRCh37 (hg19) VCF-style: chr15-48805848-T-TC.
Other names: c.1485dup, p.Lys496fs (NM_001406716.1); short protein forms K496fs.
Identifiers: ClinVar variation 2942230 (VCV002942230.3), dbSNP rs2505614091, ClinGen allele CA2740096676.

ClinVar aggregate classification (germline): Pathogenic (1 of 4 stars; one submission).

Conditions:
Marfan syndrome (MFS). Also called: MARFAN SYNDROME, TYPE I; Marfan syndrome type 1; Marfan's syndrome; Marfan syndrome, classic; FBN1-Related Marfan Syndrome. Identifiers: Orphanet 284963, Orphanet 558, MedGen C0024796, MONDO:0007947, OMIM 154700.
Familial thoracic aortic aneurysm and aortic dissection (TAAD). Also called: Thoracic aortic aneurysms and dissections. Identifiers: Orphanet 91387, MedGen C4707243, MONDO:0019625.

Submission:

Labcorp Genetics (formerly Invitae), Labcorp
Classification: Pathogenic for Marfan syndrome; Familial thoracic aortic aneurysm and aortic dissection. Last evaluated: 2022-12-13. Review status: criteria provided, single submitter. Criteria: Invitae Variant Classification Sherloc (09022015). Collection method: clinical testing. Allele origin: germline.
Comment: This sequence change creates a premature translational stop signal (p.Lys496Glufs*8) in the FBN1 gene. It is expected to result in an absent or disrupted protein product. Loss-of-function variants in FBN1 are known to be pathogenic (PMID: 17657824, 19293843). This variant is not present in population databases (gnomAD no frequency). This variant has not been reported in the literature in individuals affected with FBN1-related conditions. For these reasons, this variant has been classified as Pathogenic.

Literature cited by the submitters: PubMed 17657824; PubMed 19293843.